The following is an entry in ClinVar:

ClinVar aggregate classification (germline): Uncertain significance. Review status: criteria provided, multiple submitters, no conflicts (2 of 4 stars). 3 submissions from 3 submitters: Uncertain significance (3). Last evaluated 2024-04-04.

Conditions:
Familial acute necrotizing encephalopathy (IIAE3). Also called: ENCEPHALOPATHY, ACUTE, INFECTION-INDUCED, SUSCEPTIBILITY TO, 3; Susceptibility to Acute Necrotizing Encephalopathy 1. Identifiers: Orphanet 88619, MedGen C2675556, MONDO:0011953, OMIM 608033.

Allele frequency attached by ClinVar (database versions not stated): gnomAD 0.00001; ExAC 0.00003; gnomAD exomes 0.00003; TOPMed 0.00003; ESP Exome Variant Server 0.00008.
gnomAD v4.1: 38 of 1,611,858 alleles (0.0024%); highest among the groups gnomAD compares: Non-Finnish European, 0.0031%; no homozygotes.

Submissions (3):

Ambry Genetics
Classification: Uncertain significance. Last evaluated: 2024-04-04. Review status: criteria provided, single submitter. Criteria: Ambry Variant Classification Scheme 2023. Collection method: clinical testing. Allele origin: germline.

Labcorp Genetics (formerly Invitae), Labcorp
Classification: Uncertain significance for Familial acute necrotizing encephalopathy. Last evaluated: 2019-07-09. Review status: criteria provided, single submitter. Criteria: Invitae Variant Classification Sherloc (09022015). Collection method: clinical testing. Allele origin: germline.
Comment: This sequence change replaces aspartic acid with glycine at codon 397 of the RANBP2 protein (p.Asp397Gly). The aspartic acid residue is highly conserved and there is a moderate physicochemical difference between aspartic acid and glycine. This variant is present in population databases (rs376733981, ExAC 0.006%). This variant has not been reported in the literature in individuals with RANBP2-related conditions. Algorithms developed to predict the effect of missense changes on protein structure and function are either unavailable or do not agree on the potential impact of this missense change (SIFT: "Deleterious"; PolyPhen-2: "Benign"; Align-GVGD: "Class C15"). Algorithms developed to predict the effect of sequence changes on RNA splicing suggest that this variant may create or strengthen a splice site, but this prediction has not been confirmed by published transcriptional studies. In summary, the available evidence is currently insufficient to determine the role of this variant in disease. Therefore, it has been classified as a Variant of Uncertain Significance.

Breakthrough Genomics
Classification: Uncertain significance. Review status: criteria provided, single submitter. Criteria: ACMG Guidelines, 2015. Collection method: not provided. Allele origin: germline. Inheritance: Autosomal dominant inheritance. Affected: yes.

NM_006267.5(RANBP2):c.1190A>G (p.Asp397Gly)

Gene: RANBP2 (RAN binding protein 2; plus strand). Cytogenetic location: 2q13.
Variant type: single nucleotide variant.
Coding change: c.1190A>G on transcript NM_006267.5 (MANE Select); coding-DNA position 1190, A replaced by G.
Protein change: p.Asp397Gly; replaces aspartic acid 397 with glycine.
Molecular consequence: missense variant.
Genome position (GRCh38, 1-based): chr2:108,749,046, A>G. VCF-style: chr2-108749046-A-G. GRCh37 (hg19) VCF-style: chr2-109365502-A-G.
Other names: short protein forms D397G.
Identifiers: ClinVar variation 953645 (VCV000953645.9), dbSNP rs376733981, ClinGen allele CA1822251.